The following is an entry in ClinVar:

ClinVar aggregate classification (germline): Pathogenic (1 of 4 stars; one submission).

Conditions:
Hereditary cancer-predisposing syndrome. Also called: Neoplastic Syndromes, Hereditary; Tumor predisposition; Hereditary Cancer Syndrome; Hereditary neoplastic syndrome. Identifiers: Orphanet 140162, MedGen C0027672, MeSH D009386, MONDO:0015356.

Submission:

Ambry Genetics
Classification: Pathogenic for Hereditary cancer-predisposing syndrome. Last evaluated: 2022-10-03. Review status: criteria provided, single submitter. Criteria: Ambry Variant Classification Scheme 2023. Collection method: clinical testing. Allele origin: germline.
Comment: The p.Q330* pathogenic mutation (also known as c.988C>T), located in coding exon 8 of the MRE11A gene, results from a C to T substitution at nucleotide position 988. This changes the amino acid from a glutamine to a stop codon within coding exon 8. This variant is considered to be rare based on population cohorts in the Genome Aggregation Database (gnomAD). This alteration is expected to result in loss of function by premature protein truncation or nonsense-mediated mRNA decay. As such, this alteration is interpreted as a disease-causing mutation.

NM_005591.4(MRE11):c.988C>T (p.Gln330Ter)

Gene: MRE11 (MRE11 double strand break repair nuclease; minus strand). Cytogenetic location: 11q21.
Variant type: single nucleotide variant.
Coding change: c.988C>T on transcript NM_005591.4 (MANE Select); coding-DNA position 988, C replaced by T.
Protein change: p.Gln330Ter; replaces glutamine 330 with a stop codon.
Molecular consequence: nonsense.
Genome position (GRCh38, 1-based): chr11:94,470,500, G>A on the plus strand (C>T on the coding strand, the complement: MRE11 is on the minus strand). VCF-style: chr11-94470500-G-A. GRCh37 (hg19) VCF-style: chr11-94203666-G-A.
Other names: c.988C>T, p.Gln330Ter (NM_001330347.2, NM_005590.4); short protein forms Q330*.
Identifiers: ClinVar variation 1799962 (VCV001799962.2), dbSNP rs1437693931, ClinGen allele CA382374246.